The following is an entry in ClinVar:

ClinVar aggregate classification (germline): Likely benign (0 of 4 stars; one submission).

Conditions:
IL2-related disorder. Also called: IL2-related condition.

Allele frequency attached by ClinVar (database versions not stated): gnomAD exomes 0.00012; ExAC 0.00041; 1000 Genomes Project 30x 0.00047; 1000 Genomes Project 0.00060; gnomAD 0.00137; ESP Exome Variant Server 0.00138.
gnomAD v4.1: 393 of 1,610,242 alleles (0.024%); highest among the groups gnomAD compares: African/African-American, 0.46%; 1 homozygote.

Submission:

PreventionGenetics, part of Exact Sciences
Classification: Likely benign for IL2-related condition. Last evaluated: 2023-10-31. Review status: no assertion criteria provided. Collection method: clinical testing. Allele origin: germline.
Comment: This variant is classified as likely benign based on ACMG/AMP sequence variant interpretation guidelines (Richards et al. 2015 PMID: 25741868, with internal and published modifications).

NM_000586.4(IL2):c.129G>T (p.Met43Ile)

Gene: IL2 (interleukin 2; minus strand). Cytogenetic location: 4q27.
Variant type: single nucleotide variant.
Coding change: c.129G>T on transcript NM_000586.4 (MANE Select); coding-DNA position 129, G replaced by T.
Protein change: p.Met43Ile; replaces methionine 43 with isoleucine.
Molecular consequence: missense variant.
Genome position (GRCh38, 1-based): chr4:122,456,312, C>A on the plus strand (G>T on the coding strand, the complement: IL2 is on the minus strand). VCF-style: chr4-122456312-C-A. GRCh37 (hg19) VCF-style: chr4-123377467-C-A.
Other names: short protein forms M43I.
Identifiers: ClinVar variation 3040174 (VCV003040174.2), dbSNP rs146566026, ClinGen allele CA3069050.